The following is an entry in ClinVar:

ClinVar aggregate classification (germline): Likely pathogenic (1 of 4 stars; one submission).

Conditions:
GEMIN5-related disorder. Also called: GEMIN5-related condition; GEMIN5-Related Disorders.

Allele frequency attached by ClinVar (database versions not stated): gnomAD 0.00001; TOPMed 0.00003.
gnomAD v4.1: 2 of 1,613,952 alleles (0.00012%); highest among the groups gnomAD compares: Admixed American, 0.0017%; no homozygotes.

Submission:

Women's Health and Genetics/Laboratory Corporation of America, LabCorp
Classification: Likely pathogenic for GEMIN5-Related Disorders. Last evaluated: 2021-07-20. Review status: criteria provided, single submitter. Criteria: LabCorp Variant Classification Summary - May 2015. Collection method: clinical testing. Allele origin: germline.
Comment: Variant summary: GEMIN5 c.2768A>C (p.His923Pro) results in a non-conservative amino acid change located in the conserved alpha helixes in the monomer-monomer interface (Kour et al, 2021) of the encoded protein sequence. Four of five in-silico tools predict a damaging effect of the variant on protein function. The variant was absent in 251394 control chromosomes (gnomAD). The variant alleles were inherited in both cases from unaffected carrier parents. These data indicate that the variant is likely to be associated with disease. To our knowledge, no experimental evidence demonstrating an impact on protein function has been reported. However, Kour et al demonstrate that pathogenic biallelic variants in GEMIN5 can cause developmental delay, motor dysfunction and cerebellar atrophy and reduce snRNP complex assembly proteins, impair snRNP assembly and misregulate RNA targets (Kour_2021). No clinical diagnostic laboratories have submitted clinical-significance assessments for this variant to ClinVar after 2014. Based on the evidence outlined above, the variant was classified as likely pathogenic.

Literature cited by the submitters: PubMed 33963192.

NM_015465.5(GEMIN5):c.2768A>C (p.His923Pro)

Gene: GEMIN5 (gem nuclear organelle associated protein 5; minus strand). Cytogenetic location: 5q33.2.
Variant type: single nucleotide variant.
Coding change: c.2768A>C on transcript NM_015465.5 (MANE Select); coding-DNA position 2768, A replaced by C.
Protein change: p.His923Pro; replaces histidine 923 with proline.
Molecular consequence: missense variant.
Genome position (GRCh38, 1-based): chr5:154,902,637, T>G on the plus strand (A>C on the coding strand, the complement: GEMIN5 is on the minus strand). VCF-style: chr5-154902637-T-G. GRCh37 (hg19) VCF-style: chr5-154282197-T-G.
Other names: c.2765A>C, p.His922Pro (NM_001252156.2); short protein forms H922P, H923P.
Identifiers: ClinVar variation 1192206 (VCV001192206.1), dbSNP rs1763488906, ClinGen allele CA361956399.